The following is an entry in ClinVar:

ClinVar aggregate classification (germline): Uncertain significance (1 of 4 stars; one submission).

Conditions:
Early-infantile DEE. Also called: Ohtahara syndrome; Early infantile epileptic encephalopathy; Early infantile epileptic encephalopathy with suppression bursts. Identifiers: Orphanet 1934, MedGen C0393706, MONDO:0800491.

Allele frequency attached by ClinVar (database versions not stated): gnomAD exomes 0.00001; TOPMed 0.00001.
gnomAD v4.1: 18 of 1,614,154 alleles (0.0011%); highest among the groups gnomAD compares: Non-Finnish European, 0.0014%; no homozygotes.

Submission:

Labcorp Genetics (formerly Invitae), Labcorp
Classification: Uncertain significance for Early-infantile DEE. Last evaluated: 2025-07-02. Review status: criteria provided, single submitter. Criteria: Invitae Variant Classification Sherloc (09022015). Collection method: clinical testing. Allele origin: germline.
Comment: This sequence change replaces glutamic acid, which is acidic and polar, with lysine, which is basic and polar, at codon 1471 of the SPTAN1 protein (p.Glu1471Lys). This variant is present in population databases (no rsID available, gnomAD 0.0009%). This variant has not been reported in the literature in individuals affected with SPTAN1-related conditions. ClinVar contains an entry for this variant (Variation ID: 2886970). Invitae Evidence Modeling of protein sequence and biophysical properties (such as structural, functional, and spatial information, amino acid conservation, physicochemical variation, residue mobility, and thermodynamic stability) has been performed for this missense variant. However, the output from this modeling did not meet the statistical confidence thresholds required to predict the impact of this variant on SPTAN1 protein function. In summary, the available evidence is currently insufficient to determine the role of this variant in disease. Therefore, it has been classified as a Variant of Uncertain Significance.

NM_001130438.3(SPTAN1):c.4411G>A (p.Glu1471Lys)

Gene: SPTAN1 (spectrin alpha, non-erythrocytic 1; plus strand). Cytogenetic location: 9q34.11.
Variant type: single nucleotide variant.
Coding change: c.4411G>A on transcript NM_001130438.3 (MANE Select); coding-DNA position 4411, G replaced by A.
Protein change: p.Glu1471Lys; replaces glutamic acid 1471 with lysine.
Molecular consequence: missense variant.
Genome position (GRCh38, 1-based): chr9:128,608,196, G>A. VCF-style: chr9-128608196-G-A. GRCh37 (hg19) VCF-style: chr9-131370475-G-A.
Other names: c.4411G>A, p.Glu1471Lys (NM_001375311.2, NM_001375313.1, NM_003127.4 and 2 more transcripts); c.4447G>A, p.Glu1483Lys (NM_001375312.2, NM_001375318.1); c.4351G>A, p.Glu1451Lys (NM_001375314.2, NM_001195532.2, NM_001363765.2); short protein forms E1471K, E1451K, E1483K.
Identifiers: ClinVar variation 2886970 (VCV002886970.3), dbSNP rs1431977681, ClinGen allele CA375067080.